The following is an entry in ClinVar:

NM_004984.4(KIF5A):c.1880C>T (p.Ser627Leu)

Gene: KIF5A (kinesin family member 5A; plus strand). Cytogenetic location: 12q13.3.
Variant type: single nucleotide variant.
Coding change: c.1880C>T on transcript NM_004984.4 (MANE Select); coding-DNA position 1880, C replaced by T.
Protein change: p.Ser627Leu; replaces serine 627 with leucine.
Molecular consequence: missense variant.
Genome position (GRCh38, 1-based): chr12:57,575,247, C>T. VCF-style: chr12-57575247-C-T. GRCh37 (hg19) VCF-style: chr12-57969030-C-T.
Other names: c.1613C>T, p.Ser538Leu (NM_001354705.2); c.1880C>T (NM_004984.2); short protein forms S538L, S627L.
Identifiers: ClinVar variation 3637613 (VCV003637613.3).

ClinVar aggregate classification (germline): Uncertain significance. Review status: criteria provided, multiple submitters, no conflicts (2 of 4 stars). 2 submissions from 2 submitters: Uncertain significance (2). Last evaluated 2024-11-13.

Conditions:
Spastic paraplegia. Identifiers: MedGen C0037772, HP:0001258.

Submissions (2):

GeneDx
Classification: Uncertain significance. Last evaluated: 2024-11-13. Review status: criteria provided, single submitter. Criteria: GeneDx Variant Classification Process June 2021. Collection method: clinical testing. Allele origin: germline. Affected: yes.
Comment: Not observed at significant frequency in large population cohorts (gnomAD); In silico analysis supports that this missense variant has a deleterious effect on protein structure/function; Has not been previously published as pathogenic or benign to our knowledge

Labcorp Genetics (formerly Invitae), Labcorp
Classification: Uncertain significance for Spastic paraplegia. Last evaluated: 2024-03-02. Review status: criteria provided, single submitter. Criteria: Invitae Variant Classification Sherloc (09022015). Collection method: clinical testing. Allele origin: germline.
Comment: This sequence change replaces serine, which is neutral and polar, with leucine, which is neutral and non-polar, at codon 627 of the KIF5A protein (p.Ser627Leu). This variant is not present in population databases (gnomAD no frequency). This variant has not been reported in the literature in individuals affected with KIF5A-related conditions. Advanced modeling of protein sequence and biophysical properties (such as structural, functional, and spatial information, amino acid conservation, physicochemical variation, residue mobility, and thermodynamic stability) has been performed at Invitae for this missense variant, however the output from this modeling did not meet the statistical confidence thresholds required to predict the impact of this variant on KIF5A protein function. In summary, the available evidence is currently insufficient to determine the role of this variant in disease. Therefore, it has been classified as a Variant of Uncertain Significance.